The following is an entry in ClinVar:

NM_021116.4(ADCY1):c.2271C>T (p.Ser757=)

Gene: ADCY1 (adenylate cyclase 1; plus strand). Cytogenetic location: 7p12.3.
Variant type: single nucleotide variant.
Coding change: c.2271C>T on transcript NM_021116.4 (MANE Select); coding-DNA position 2271, C replaced by T.
Protein change: p.Ser757=; no amino-acid change (serine 757 retained).
Molecular consequence: synonymous variant.
Genome position (GRCh38, 1-based): chr7:45,686,159, C>T. VCF-style: chr7-45686159-C-T. GRCh37 (hg19) VCF-style: chr7-45725758-C-T.
Identifiers: ClinVar variation 1343040 (VCV001343040.8), dbSNP rs183381014, ClinGen allele CA4249180.

ClinVar aggregate classification (germline): Likely benign. Review status: criteria provided, multiple submitters, no conflicts (2 of 4 stars). 3 submissions from 3 submitters: Likely benign (2). 1 of the submissions does not count toward it. Last evaluated 2024-07-30.

Conditions:
ADCY1-related disorder. Also called: ADCY1-related condition.

Allele frequency attached by ClinVar (database versions not stated): gnomAD exomes 0.00004 and 0.00009; ExAC 0.00006; gnomAD 0.00009; TOPMed 0.00011; ESP Exome Variant Server 0.00015; 1000 Genomes Project 30x 0.00031; 1000 Genomes Project 0.00040.
gnomAD v4.1: 142 of 1,614,184 alleles (0.0088%); highest among the groups gnomAD compares: Non-Finnish European, 0.011%; no homozygotes.

Submissions (3):

Labcorp Genetics (formerly Invitae), Labcorp
Classification: Likely benign. Last evaluated: 2024-07-30. Review status: criteria provided, single submitter. Criteria: Invitae Variant Classification Sherloc (09022015). Collection method: clinical testing. Allele origin: germline.

GeneDx
Classification: Likely benign. Last evaluated: 2021-05-12. Review status: criteria provided, single submitter. Criteria: GeneDx Variant Classification Process June 2021. Collection method: clinical testing. Allele origin: germline. Affected: yes.

PreventionGenetics, part of Exact Sciences
Classification: Likely benign for ADCY1-related condition. Last evaluated: 2019-06-05. Review status: no assertion criteria provided. Collection method: clinical testing. Allele origin: germline. Not counted in ClinVar's aggregate classification.
Comment: This variant is classified as likely benign based on ACMG/AMP sequence variant interpretation guidelines (Richards et al. 2015 PMID: 25741868, with internal and published modifications).